The following is an entry in ClinVar:

NM_003060.4(SLC22A5):c.1354G>T (p.Glu452Ter)

Gene: SLC22A5 (solute carrier family 22 member 5; plus strand). Cytogenetic location: 5q31.1.
Variant type: single nucleotide variant.
Coding change: c.1354G>T on transcript NM_003060.4 (MANE Select); coding-DNA position 1354, G replaced by T.
Protein change: p.Glu452Ter; replaces glutamic acid 452 with a stop codon.
Molecular consequence: nonsense.
Genome position (GRCh38, 1-based): chr5:132,392,519, G>T. VCF-style: chr5-132392519-G-T. GRCh37 (hg19) VCF-style: chr5-131728211-G-T.
Other names: c.1426G>T, p.Glu476Ter (NM_001308122.2); short protein forms E452*, E476*.
Identifiers: ClinVar variation 5013708 (VCV005013708.1).
Genomic context (GRCh38, chr5:132,392,519, plus strand): 5'-GTGATGGTGGGCAAGTTTGGAGTCACGGCTGCCTTTTCCATGGTCTACGTGTACACAGCC[G>T]AGCTGTATCCCACAGTGGTGAGAAACATGGGTGTGGGAGTCAGCTCCACAGCATCCCGCC-3'

ClinVar aggregate classification (germline): Pathogenic (1 of 4 stars; one submission).

Conditions:
Renal carnitine transport defect (CDSP). Also called: Carnitine Deficiency, Systemic; CARNITINE DEFICIENCY, SYSTEMIC, DUE TO DEFECT IN RENAL REABSORPTION OF CARNITINE; CARNITINE TRANSPORTER, PLASMA-MEMBRANE, DEFICIENCY OF; CARNITINE UPTAKE DEFECT; Primary carnitine deficiency; Systemic primary carnitine deficiency. Identifiers: Orphanet 158, MedGen C0342788, MONDO:0008919, OMIM 212140.

Submission:

Myriad Genetics, Inc.
Classification: Pathogenic for Renal carnitine transport defect. Last evaluated: 2024-11-05. Review status: criteria provided, single submitter. Criteria: Myriad Autosomal Dominant, Autosomal Recessive and X-Linked Classification Criteria (2023). Collection method: clinical testing. Allele origin: unknown.
Comment: NM_003060.3(SLC22A5):c.1354G>T(E452*) is expected to be pathogenic in the context of primary carnitine deficiency. This variant is predicted to lead to an abnormal or absent protein product due to the creation of a premature termination codon in SLC22A5, a gene where loss-of-function variants are known to be pathogenic. Please note: this variant was assessed in the context of healthy population screening.